The following is an entry in ClinVar:

ClinVar aggregate classification (germline): Uncertain significance (1 of 4 stars; one submission).

Submission:

Labcorp Genetics (formerly Invitae), Labcorp
Classification: Uncertain significance. Last evaluated: 2025-03-02. Review status: criteria provided, single submitter. Criteria: Invitae Variant Classification Sherloc (09022015). Collection method: clinical testing. Allele origin: germline.
Comment: This sequence change replaces cysteine, which is neutral and slightly polar, with serine, which is neutral and polar, at codon 1243 of the FOCAD protein (p.Cys1243Ser). This variant is present in population databases (rs765022532, gnomAD 0.003%). This variant has not been reported in the literature in individuals affected with FOCAD-related conditions. Experimental studies and prediction algorithms are not available or were not evaluated, and the functional significance of this variant is currently unknown. In summary, the available evidence is currently insufficient to determine the role of this variant in disease. Therefore, it has been classified as a Variant of Uncertain Significance.

NM_001375567.1(FOCAD):c.3728G>C (p.Cys1243Ser)

Gene: FOCAD (focadhesin; plus strand). Cytogenetic location: 9p21.3.
Variant type: single nucleotide variant.
Coding change: c.3728G>C on transcript NM_001375567.1 (MANE Select); coding-DNA position 3728, G replaced by C.
Protein change: p.Cys1243Ser; replaces cysteine 1243 with serine.
Molecular consequence: missense variant.
Genome position (GRCh38, 1-based): chr9:20,948,323, G>C. VCF-style: chr9-20948323-G-C. GRCh37 (hg19) VCF-style: chr9-20948322-G-C.
Other names: c.3623G>C, p.Cys1208Ser (NM_001375568.1, NM_001375570.1); c.3728G>C, p.Cys1243Ser (NM_017794.5); short protein forms C1208S, C1243S.
Identifiers: ClinVar variation 4804933 (VCV004804933.1).
Genomic context (GRCh38, chr9:20,948,323, plus strand): 5'-TATATCAGACTTCAGGTTTTGCCCTGGCTTTAGGAAACATAGTTCATGGATTGTCTGTGT[G>C]TGGACATGGAAAAGCTGAAGACTTGGGCAGCAAACTACTCCCTGCCTGGATCAGAATTGT-3'
Protein context (NP_001362496.1, residues 1233-1253): LGNIVHGLSV[Cys1243Ser]GHGKAEDLGS